The following is an entry in ClinVar:

ClinVar aggregate classification (germline): Pathogenic (1 of 4 stars; one submission).

Conditions:
Hyperekplexia 3 (HKPX3). Also called: HYPEREKPLEXIA 3, AUTOSOMAL RECESSIVE; HYPEREKPLEXIA 3, AUTOSOMAL DOMINANT. Identifiers: Orphanet 3197, MedGen C3553288, MONDO:0013827, OMIM 614618.

Submission:

Labcorp Genetics (formerly Invitae), Labcorp
Classification: Pathogenic for Hyperekplexia 3. Last evaluated: 2025-06-22. Review status: criteria provided, single submitter. Criteria: Invitae Variant Classification Sherloc (09022015). Collection method: clinical testing. Allele origin: germline.
Comment: This sequence change creates a premature translational stop signal (p.Ser334Valfs*15) in the SLC6A5 gene. It is expected to result in an absent or disrupted protein product. Loss-of-function variants in SLC6A5 are known to be pathogenic (PMID: 14622583, 16751771, 22700964). This variant is not present in population databases (gnomAD no frequency). This variant has not been reported in the literature in individuals affected with SLC6A5-related conditions. For these reasons, this variant has been classified as Pathogenic.

Literature cited by the submitters: PubMed 14622583; PubMed 16751771; PubMed 22700964.

NM_004211.5(SLC6A5):c.1000del (p.Ser334fs)

Gene: SLC6A5 (solute carrier family 6 member 5; plus strand). Cytogenetic location: 11p15.1.
Variant type: Deletion.
Coding change: c.1000del on transcript NM_004211.5 (MANE Select); coding-DNA position 1000, one base deleted (A; older notation c.1000delA).
Protein change: p.Ser334fs; shifts the reading frame from serine 334.
Molecular consequence: frameshift variant.
Genome position (GRCh38, 1-based): chr11:20,614,693, A deleted. VCF-style (leftmost placement, unchanged base first): chr11-20614692-CA-C. GRCh37 (hg19) VCF-style: chr11-20636238-CA-C.
Other names: c.298del, p.Ser100fs (NM_001318369.2); short protein forms S100fs, S334fs.
Identifiers: ClinVar variation 4753192 (VCV004753192.1).